The following is an entry in ClinVar:

NM_000059.4(BRCA2):c.4198C>T (p.His1400Tyr)

Gene: BRCA2 (BRCA2 DNA repair associated; plus strand). Cytogenetic location: 13q13.1.
Variant type: single nucleotide variant.
Coding change: c.4198C>T on transcript NM_000059.4 (MANE Select); coding-DNA position 4198, C replaced by T.
Protein change: p.His1400Tyr; replaces histidine 1400 with tyrosine.
Molecular consequence: missense variant.
Genome position (GRCh38, 1-based): chr13:32,338,553, C>T. VCF-style: chr13-32338553-C-T. GRCh37 (hg19) VCF-style: chr13-32912690-C-T.
Other names: short protein forms H1400Y.
Identifiers: ClinVar variation 952256 (VCV000952256.11), dbSNP rs2072498694, ClinGen allele CA387780199.

ClinVar aggregate classification (germline): Conflicting classifications of pathogenicity. Review status: criteria provided, conflicting classifications (1 of 4 stars). 2 submissions from 2 submitters: Uncertain significance (1); Likely benign (1). Last evaluated 2023-09-30.

Conditions:
Hereditary breast ovarian cancer syndrome. Also called: Hereditary breast and ovarian cancer; Hereditary breast and/or ovarian cancer syndrome; Hereditary breast and ovarian cancer syndrome; Hereditary breast and ovarian cancer syndrome (HBOC); BRCA1- and BRCA2-Associated Hereditary Breast and Ovarian Cancer; Breast and ovarian cancer. Identifiers: Orphanet 145, MedGen C0677776, MeSH D061325, MONDO:0003582. Disease mechanism: loss of function.
Hereditary cancer-predisposing syndrome. Also called: Tumor predisposition; Hereditary neoplastic syndrome; Neoplastic Syndromes, Hereditary; Hereditary Cancer Syndrome. Identifiers: Orphanet 140162, MedGen C0027672, MeSH D009386, MONDO:0015356.

Submissions (2):

Labcorp Genetics (formerly Invitae), Labcorp
Classification: Uncertain significance for Hereditary breast ovarian cancer syndrome. Last evaluated: 2023-09-30. Review status: criteria provided, single submitter. Criteria: Invitae Variant Classification Sherloc (09022015). Collection method: clinical testing. Allele origin: germline.
Comment: In summary, the available evidence is currently insufficient to determine the role of this variant in disease. Therefore, it has been classified as a Variant of Uncertain Significance. Advanced modeling of protein sequence and biophysical properties (such as structural, functional, and spatial information, amino acid conservation, physicochemical variation, residue mobility, and thermodynamic stability) performed at Invitae indicates that this missense variant is not expected to disrupt BRCA2 protein function. ClinVar contains an entry for this variant (Variation ID: 952256). This variant has not been reported in the literature in individuals affected with BRCA2-related conditions. This variant is not present in population databases (gnomAD no frequency). This sequence change replaces histidine, which is basic and polar, with tyrosine, which is neutral and polar, at codon 1400 of the BRCA2 protein (p.His1400Tyr).

University of Washington Department of Laboratory Medicine, University of Washington
Classification: Likely benign for Hereditary cancer-predisposing syndrome. Last evaluated: 2023-03-23. Review status: criteria provided, single submitter. Criteria: Dines et al. (Genet Med. 2020). Collection method: curation. Allele origin: germline.
Comment: Missense variant in a coldspot region where missense variants are very unlikely to be pathogenic (PMID:31911673).

BRCA2 exon 11 coldspot. Reclassification based on statistical prior probability.